The following is an entry in ClinVar:

NM_173598.6(KSR2):c.400T>C (p.Tyr134His)

Gene: KSR2 (kinase suppressor of ras 2; minus strand). Cytogenetic location: 12q24.23.
Variant type: single nucleotide variant.
Coding change: c.400T>C on transcript NM_173598.6 (MANE Select); coding-DNA position 400, T replaced by C.
Protein change: p.Tyr134His; replaces tyrosine 134 with histidine.
Molecular consequence: missense variant.
Genome position (GRCh38, 1-based): chr12:117,855,500, A>G on the plus strand (T>C on the coding strand, the complement: KSR2 is on the minus strand). VCF-style: chr12-117855500-A-G. GRCh37 (hg19) VCF-style: chr12-118293305-A-G.
Other names: short protein forms Y134H.
Identifiers: ClinVar variation 4767461 (VCV004767461.1).

ClinVar aggregate classification (germline): Uncertain significance (1 of 4 stars; one submission).

Submission:

Labcorp Genetics (formerly Invitae), Labcorp
Classification: Uncertain significance. Last evaluated: 2025-06-17. Review status: criteria provided, single submitter. Criteria: Invitae Variant Classification Sherloc (09022015). Collection method: clinical testing. Allele origin: germline.
Comment: This sequence change replaces tyrosine, which is neutral and polar, with histidine, which is basic and polar, at codon 105 of the KSR2 protein (p.Tyr105His). This variant is not present in population databases (gnomAD no frequency). This variant has not been reported in the literature in individuals affected with KSR2-related conditions. An algorithm developed to predict the effect of missense changes on protein structure and function (PolyPhen-2) suggests that this variant is likely to be tolerated. In summary, the available evidence is currently insufficient to determine the role of this variant in disease. Therefore, it has been classified as a Variant of Uncertain Significance.